The following is an entry in ClinVar:

NM_000548.5(TSC2):c.2341G>A (p.Asp781Asn)

Gene: TSC2 (TSC complex subunit 2; plus strand). Cytogenetic location: 16p13.3.
Variant type: single nucleotide variant.
Coding change: c.2341G>A on transcript NM_000548.5 (MANE Select); coding-DNA position 2341, G replaced by A.
Protein change: p.Asp781Asn; replaces aspartic acid 781 with asparagine.
Molecular consequence: missense variant.
Genome position (GRCh38, 1-based): chr16:2,072,969, G>A. VCF-style: chr16-2072969-G-A. GRCh37 (hg19) VCF-style: chr16-2122970-G-A.
Other names: c.2341G>A, p.Asp781Asn (NM_001077183.3, NM_001114382.3, NM_001363528.2 and 3 more transcripts); c.2230G>A, p.Asp744Asn (NM_001318827.2); c.2194G>A, p.Asp732Asn (NM_001318829.2); c.1741G>A, p.Asp581Asn (NM_001318831.2); c.2374G>A, p.Asp792Asn (NM_001318832.2); short protein forms D781N, D732N, D581N, D744N, D792N.
Identifiers: ClinVar variation 952221 (VCV000952221.10), dbSNP rs1278830553, ClinGen allele CA394276686.

ClinVar aggregate classification (germline): Conflicting classifications of pathogenicity. Review status: criteria provided, conflicting classifications (1 of 4 stars). 2 submissions from 2 submitters: Uncertain significance (1); Benign (1). Last evaluated 2026-07-24.

Conditions:
Hereditary cancer-predisposing syndrome. Also called: Neoplastic Syndromes, Hereditary; Hereditary Cancer Syndrome; Tumor predisposition; Hereditary neoplastic syndrome. Identifiers: Orphanet 140162, MedGen C0027672, MeSH D009386, MONDO:0015356.
Tuberous sclerosis 2 (TSC2). Identifiers: Orphanet 805, MedGen C1860707, MONDO:0013199, OMIM 613254.

Allele frequency attached by ClinVar (database versions not stated): gnomAD 0.00001; gnomAD exomes below 0.00001.
gnomAD v4.1: 1 of 1,613,418 alleles (0.000062%); highest among the groups gnomAD compares: African/African-American, 0.0013%; no homozygotes.

Submissions (2):

Ambry Genetics
Classification: Uncertain significance for Hereditary cancer-predisposing syndrome. Last evaluated: 2026-07-24. Review status: criteria provided, single submitter. Criteria: Ambry Variant Classification Scheme 2023. Collection method: clinical testing. Allele origin: germline.
Comment: The p.D781N variant (also known as c.2341G>A), located in coding exon 20 of the TSC2 gene, results from a G to A substitution at nucleotide position 2341. The aspartic acid at codon 781 is replaced by asparagine, an amino acid with highly similar properties. This amino acid position is conserved. In addition, the in silico prediction for this alteration is inconclusive. Based on the available evidence, the clinical significance of this variant remains unclear.

Labcorp Genetics (formerly Invitae), Labcorp
Classification: Benign for Tuberous sclerosis 2. Last evaluated: 2025-05-14. Review status: criteria provided, single submitter. Criteria: Invitae Variant Classification Sherloc (09022015). Collection method: clinical testing. Allele origin: germline.